The following is an entry in ClinVar:

NM_000214.3(JAG1):c.779T>C (p.Leu260Pro)

Gene: JAG1 (jagged canonical Notch ligand 1; minus strand). Cytogenetic location: 20p12.2.
Variant type: single nucleotide variant.
Coding change: c.779T>C on transcript NM_000214.3 (MANE Select); coding-DNA position 779, T replaced by C.
Protein change: p.Leu260Pro; replaces leucine 260 with proline.
Molecular consequence: missense variant.
Genome position (GRCh38, 1-based): chr20:10,652,575, A>G on the plus strand (T>C on the coding strand, the complement: JAG1 is on the minus strand). VCF-style: chr20-10652575-A-G. GRCh37 (hg19) VCF-style: chr20-10633223-A-G.
Other names: short protein forms L260P.
Identifiers: ClinVar variation 1932448 (VCV001932448.5), dbSNP rs2067354525, ClinGen allele CA408239439.

ClinVar aggregate classification (germline): Uncertain significance (1 of 4 stars; one submission).

Conditions:
Alagille syndrome due to a JAG1 point mutation. Also called: HEPATIC DUCTULAR HYPOPLASIA, SYNDROMATIC; JAG1-Related Alagille Syndrome; Alagille Syndrome 1. Identifiers: Orphanet 261619, Orphanet 52, MedGen C1956125, MONDO:0016862, OMIM 118450.

Allele frequency attached by ClinVar (database versions not stated): TOPMed below 0.00001.

Submission:

Labcorp Genetics (formerly Invitae), Labcorp
Classification: Uncertain significance for Alagille syndrome due to a JAG1 point mutation. Last evaluated: 2022-06-16. Review status: criteria provided, single submitter. Criteria: Invitae Variant Classification Sherloc (09022015). Collection method: clinical testing. Allele origin: germline.
Comment: In summary, the available evidence is currently insufficient to determine the role of this variant in disease. Therefore, it has been classified as a Variant of Uncertain Significance. Advanced modeling of protein sequence and biophysical properties (such as structural, functional, and spatial information, amino acid conservation, physicochemical variation, residue mobility, and thermodynamic stability) performed at Invitae indicates that this missense variant is not expected to disrupt JAG1 protein function. This variant has not been reported in the literature in individuals affected with JAG1-related conditions. This variant is not present in population databases (gnomAD no frequency). This sequence change replaces leucine, which is neutral and non-polar, with proline, which is neutral and non-polar, at codon 260 of the JAG1 protein (p.Leu260Pro).